The following is an entry in ClinVar:

ClinVar aggregate classification (germline): Benign/Likely benign. Review status: criteria provided, multiple submitters, no conflicts (2 of 4 stars). 10 submissions from 10 submitters: Benign (7); Likely benign (3). Last evaluated 2026-01-26.

Conditions:
Familial thoracic aortic aneurysm and aortic dissection (TAAD). Also called: Thoracic aortic aneurysms and dissections. Identifiers: Orphanet 91387, MedGen C4707243, MONDO:0019625.
Aortic aneurysm, familial thoracic 7 (AAT7). Also called: AORTIC DISSECTION, FAMILIAL, WITH OR WITHOUT AORTIC ANEURYSM. Identifiers: MedGen C3151077, MONDO:0013418, OMIM 613780.

Allele frequency attached by ClinVar (database versions not stated): gnomAD exomes 0.00050 and 0.00135; gnomAD 0.00558 and 0.00515; ExAC 0.00155; ESP Exome Variant Server 0.00661; TOPMed 0.00550; 1000 Genomes Project 30x 0.00484; 1000 Genomes Project 0.00499.
gnomAD v4.1: 1,520 of 1,613,124 alleles (0.094%); highest among the groups gnomAD compares: African/African-American, 1.9%; 13 homozygotes.

Submissions (10):

Labcorp Genetics (formerly Invitae), Labcorp
Classification: Benign for Aortic aneurysm, familial thoracic 7. Last evaluated: 2026-01-26. Review status: criteria provided, single submitter. Criteria: Invitae Variant Classification Sherloc (09022015). Collection method: clinical testing. Allele origin: germline.

Molecular Diagnostic Laboratory for Inherited Cardiovascular Disease, Montreal Heart Institute
Classification: Likely benign. Last evaluated: 2025-07-24. Review status: criteria provided, single submitter. Criteria: ACMG Guidelines, 2015. Collection method: clinical testing. Allele origin: germline. Affected: no.
Comment: BS1,BP6

ARUP Laboratories, Molecular Genetics and Genomics, ARUP Laboratories
Classification: Benign. Last evaluated: 2024-07-08. Review status: criteria provided, single submitter. Criteria: ARUP Molecular Germline Variant Investigation Process 2024. Collection method: clinical testing. Allele origin: germline.

CHEO Genetics Diagnostic Laboratory, Children's Hospital of Eastern Ontario
Classification: Benign for Familial thoracic aortic aneurysm and aortic dissection. Last evaluated: 2023-06-26. Review status: criteria provided, single submitter. Criteria: ACMG Guidelines, 2015. Collection method: clinical testing. Allele origin: germline. Study: Canadian Open Genetics Repository.

Women's Health and Genetics/Laboratory Corporation of America, LabCorp
Classification: Benign. Last evaluated: 2019-08-26. Review status: criteria provided, single submitter. Criteria: LabCorp Variant Classification Summary - May 2015. Collection method: clinical testing. Allele origin: germline.
Comment: Variant summary: MYLK c.3987T>G (p.Asp1329Glu) results in a conservative amino acid change in the encoded protein sequence. Three of five in-silico tools predict a benign effect of the variant on protein function. 4/5 computational tools predict no significant impact on normal splicing. However, these predictions have yet to be confirmed by functional studies. The variant allele was found at a frequency of 0.0014 in 250338 control chromosomes, predominantly at a frequency of 0.02 within the African or African-American subpopulation in the gnomAD database, including 6 homozygotes. The observed variant frequency within African or African-American control individuals in the gnomAD database is approximately 800 fold of the estimated maximal expected allele frequency for a pathogenic variant in MYLK causing Aortopathy phenotype (2.5e-05), strongly suggesting that the variant is a benign polymorphism found primarily in populations of African or African-American origin. Five ClinVar submitters (evaluation after 2014) cite the variant as benign (4x) and once as likely benign. Based on the evidence outlined above, the variant was classified as benign.

Illumina Laboratory Services, Illumina
Classification: Likely benign for Aortic aneurysm, familial thoracic 7. Last evaluated: 2018-01-13. Review status: criteria provided, single submitter. Criteria: ICSL Variant Classification Criteria 13 December 2019. Collection method: clinical testing. Allele origin: germline.
Comment: This variant was observed in the ICSL laboratory as part of a predisposition screen in an ostensibly healthy population. It had not been previously curated by ICSL or reported in the Human Gene Mutation Database (HGMD: prior to June 1st, 2018), and was therefore a candidate for classification through an automated scoring system. Utilizing variant allele frequency, disease prevalence and penetrance estimates, and inheritance mode, an automated score was calculated to assess if this variant is too frequent to cause the disease. Based on the score and internal cut-off values, a variant classified as likely benign is not then subjected to further curation. The score for this variant resulted in a classification of likely benign for this disease.

GeneDx
Classification: Benign. Last evaluated: 2017-01-23. Review status: criteria provided, single submitter. Criteria: GeneDx Variant Classification (06012015). Collection method: clinical testing. Allele origin: germline. Affected: yes.
Comment: This variant is considered likely benign or benign based on one or more of the following criteria: it is a conservative change, it occurs at a poorly conserved position in the protein, it is predicted to be benign by multiple in silico algorithms, and/or has population frequency not consistent with disease.

Ambry Genetics
Classification: Benign for Familial thoracic aortic aneurysm and aortic dissection. Last evaluated: 2015-11-18. Review status: criteria provided, single submitter. Criteria: Ambry Variant Classification Scheme 2023. Collection method: clinical testing. Allele origin: germline.

Breakthrough Genomics
Classification: Likely benign. Review status: criteria provided, single submitter. Criteria: ACMG Guidelines, 2015. Collection method: not provided. Allele origin: germline. Inheritance: Autosomal recessive inheritance. Affected: yes.

PreventionGenetics, part of Exact Sciences
Classification: Benign. Review status: criteria provided, single submitter. Criteria: ACMG Guidelines, 2015. Collection method: clinical testing. Allele origin: germline.

NM_053025.4(MYLK):c.3987T>G (p.Asp1329Glu)

Gene: MYLK (myosin light chain kinase; minus strand). Cytogenetic location: 3q21.1.
Variant type: single nucleotide variant.
Coding change: c.3987T>G on transcript NM_053025.4 (MANE Select); coding-DNA position 3987, T replaced by G.
Protein change: p.Asp1329Glu; replaces aspartic acid 1329 with glutamic acid.
Molecular consequence: missense variant.
Genome position (GRCh38, 1-based): chr3:123,657,427, A>C on the plus strand (T>G on the coding strand, the complement: MYLK is on the minus strand). VCF-style: chr3-123657427-A-C. GRCh37 (hg19) VCF-style: chr3-123376274-A-C.
Other names: c.3459T>G, p.Asp1153Glu (NM_001321309.2); c.3780T>G, p.Asp1260Glu (NM_053026.4, NM_053028.4); c.3987T>G, p.Asp1329Glu (NM_053027.4); short protein forms D1329E, D1153E, D1260E.
Identifiers: ClinVar variation 262281 (VCV000262281.33), dbSNP rs9844788, ClinGen allele CA070785.